The following is an entry in ClinVar:

NM_024757.5(EHMT1):c.1292G>A (p.Gly431Glu)

Gene: EHMT1 (euchromatic histone lysine methyltransferase 1; plus strand). Cytogenetic location: 9q34.3.
Variant type: single nucleotide variant.
Coding change: c.1292G>A on transcript NM_024757.5 (MANE Select); coding-DNA position 1292, G replaced by A.
Protein change: p.Gly431Glu; replaces glycine 431 with glutamic acid.
Molecular consequence: missense variant.
Genome position (GRCh38, 1-based): chr9:137,754,214, G>A. VCF-style: chr9-137754214-G-A. GRCh37 (hg19) VCF-style: chr9-140648666-G-A.
Other names: c.1292G>A, p.Gly431Glu (NM_001145527.2, NM_001354611.2); c.1199G>A, p.Gly400Glu (NM_001354259.2, NM_001354612.2); c.1271G>A, p.Gly424Glu (NM_001354263.2); short protein forms G400E, G424E, G431E.
Identifiers: ClinVar variation 4811022 (VCV004811022.1).

ClinVar aggregate classification (germline): Uncertain significance (1 of 4 stars; one submission).

Conditions:
Kleefstra syndrome 1 (KLEFS1). Identifiers: Orphanet 261494, MedGen C0795833, MONDO:0027407, OMIM 610253.

gnomAD v4.1: 1 of 1,614,142 alleles (0.000062%); highest among the groups gnomAD compares: African/African-American, 0.0013%; no homozygotes.

Submission:

Labcorp Genetics (formerly Invitae), Labcorp
Classification: Uncertain significance for Kleefstra syndrome 1. Last evaluated: 2025-03-25. Review status: criteria provided, single submitter. Criteria: Invitae Variant Classification Sherloc (09022015). Collection method: clinical testing. Allele origin: germline.
Comment: This sequence change replaces glycine, which is neutral and non-polar, with glutamic acid, which is acidic and polar, at codon 431 of the EHMT1 protein (p.Gly431Glu). This variant is not present in population databases (gnomAD no frequency). This variant has not been reported in the literature in individuals affected with EHMT1-related conditions. Invitae Evidence Modeling of protein sequence and biophysical properties (such as structural, functional, and spatial information, amino acid conservation, physicochemical variation, residue mobility, and thermodynamic stability) indicates that this missense variant is not expected to disrupt EHMT1 protein function with a negative predictive value of 80%. In summary, the available evidence is currently insufficient to determine the role of this variant in disease. Therefore, it has been classified as a Variant of Uncertain Significance.